The following is an entry in ClinVar:

ClinVar aggregate classification (germline): Pathogenic. Review status: criteria provided, multiple submitters, no conflicts (2 of 4 stars). 3 submissions from 3 submitters: Pathogenic (3). Last evaluated 2025-08-19.

Conditions:
Alagille syndrome due to a JAG1 point mutation. Also called: JAG1-Related Alagille Syndrome; HEPATIC DUCTULAR HYPOPLASIA, SYNDROMATIC; Alagille Syndrome 1. Identifiers: Orphanet 261619, Orphanet 52, MedGen C1956125, MONDO:0016862, OMIM 118450.

Submissions (3):

3billion
Classification: Pathogenic for Alagille syndrome due to a JAG1 point mutation. Last evaluated: 2025-08-19. Review status: criteria provided, single submitter. Criteria: ACMG Guidelines, 2015. Collection method: clinical testing. Allele origin: germline. Affected: yes.
Comment: The variant is not observed in the gnomAD v4.1.0 dataset. Predicted Consequence/Location: Canonical splice site: predicted to alter splicing and result in a loss or disruption of normal protein function. Multiple pathogenic loss-of-function variants are reported downstream of the variant. In silico tools predict the variant to alter splicing and produce an abnormal transcript [SpliceAI: 1.00 (spliceogenicity >=0.2, non-spliceogenicity <0.1)]. The variant has been reported at least twice as pathogenic with clinical assertions and evidence for the classification (ClinVar ID: VCV000598522 /PMID: 10220506). Therefore, this variant is classified as Pathogenic according to the recommendation of ACMG/AMP guideline.

GeneDx
Classification: Pathogenic. Last evaluated: 2023-10-19. Review status: criteria provided, single submitter. Criteria: GeneDx Variant Classification Process June 2021. Collection method: clinical testing. Allele origin: germline. Affected: yes.
Comment: Canonical splice site variant predicted to result in a null allele in a gene for which loss of function is a known mechanism of disease; Not observed at significant frequency in large population cohorts (gnomAD); This variant is associated with the following publications: (PMID: 10220506)

Eurofins Ntd Llc (ga)
Classification: Pathogenic. Last evaluated: 2018-08-23. Review status: criteria provided, single submitter. Criteria: EGL ClinVar v180209 classification definitions. Collection method: clinical testing. Allele origin: germline. Observed: 1 variant allele, 1 heterozygote.

Literature cited by the submitters: PubMed 10220506 (cited by 3billion and Eurofins Ntd Llc (ga)).

NM_000214.3(JAG1):c.2458+2_2458+5del

Gene: JAG1 (jagged canonical Notch ligand 1; minus strand). Cytogenetic location: 20p12.2.
Variant type: Microsatellite.
Coding change: c.2458+2_2458+5del on transcript NM_000214.3 (MANE Select); the canonical splice donor site of the intron after coding-DNA position 2458 through 5 bases into the intron after coding-DNA position 2458, 4 bases deleted (TAAG; older notation c.2458+2_2458+5delTAAG).
Molecular consequence: splice donor variant.
Genome position (GRCh38, 1-based): chr20:10,643,773-10,643,776, CTTA deleted on the plus strand (TAAG on the coding strand, the reverse complement: JAG1 is on the minus strand); deleting any 4 consecutive bases within chr20:10,643,773-10,643,780 gives the same sequence; the c. name uses the placement nearest the transcript's 3' end. VCF-style (leftmost placement, unchanged base first): chr20-10643772-CCTTA-C. GRCh37 (hg19) VCF-style: chr20-10624420-CCTTA-C.
Identifiers: ClinVar variation 598522 (VCV000598522.7), dbSNP rs1568793232, ClinGen allele CA913190624.